The following is an entry in ClinVar:

NM_003126.4(SPTA1):c.3245A>G (p.Tyr1082Cys)

Gene: SPTA1 (spectrin alpha, erythrocytic 1; minus strand). Cytogenetic location: 1q23.1.
Variant type: single nucleotide variant.
Coding change: c.3245A>G on transcript NM_003126.4 (MANE Select); coding-DNA position 3245, A replaced by G.
Protein change: p.Tyr1082Cys; replaces tyrosine 1082 with cysteine.
Molecular consequence: missense variant.
Genome position (GRCh38, 1-based): chr1:158,652,597, T>C on the plus strand (A>G on the coding strand, the complement: SPTA1 is on the minus strand). VCF-style: chr1-158652597-T-C. GRCh37 (hg19) VCF-style: chr1-158622387-T-C.
Other names: short protein forms Y1082C.
Identifiers: ClinVar variation 4774426 (VCV004774426.1).
Genomic context (GRCh38, chr1:158,652,597, plus strand): 5'-TTTTTCTCTTGAATCCATTCCAGCATGTCTCCTGCCTCATAGGCCAATAAAAATTCATTA[T>C]AACGTTGCAATAGACGACGTCTGCGTTCTTCTGCCCGATCCAAGAGGGAGCGGTATCTGG-3'
Protein context (NP_003117.2, residues 1072-1092): EERRRRLLQR[Tyr1082Cys]NEFLLAYEAG

ClinVar aggregate classification (germline): Uncertain significance (1 of 4 stars; one submission).

gnomAD v4.1: 8 of 1,614,164 alleles (0.0005%); highest among the groups gnomAD compares: Non-Finnish European, 0.00068%; no homozygotes.

Submission:

Labcorp Genetics (formerly Invitae), Labcorp
Classification: Uncertain significance. Last evaluated: 2025-10-26. Review status: criteria provided, single submitter. Criteria: Invitae Variant Classification Sherloc (09022015). Collection method: clinical testing. Allele origin: germline.
Comment: This sequence change replaces tyrosine, which is neutral and polar, with cysteine, which is neutral and slightly polar, at codon 1082 of the SPTA1 protein (p.Tyr1082Cys). This variant is not present in population databases (gnomAD no frequency). This variant has not been reported in the literature in individuals affected with SPTA1-related conditions. Invitae Evidence Modeling of protein sequence and biophysical properties (such as structural, functional, and spatial information, amino acid conservation, physicochemical variation, residue mobility, and thermodynamic stability) has been performed for this missense variant. However, the output from this modeling did not meet the statistical confidence thresholds required to predict the impact of this variant on SPTA1 protein function. In summary, the available evidence is currently insufficient to determine the role of this variant in disease. Therefore, it has been classified as a Variant of Uncertain Significance.